The following continues an entry in ClinVar:

NM_000138.5(FBN1):c.2927G>A (p.Arg976His)

Gene: FBN1. ClinVar aggregate classification (germline): Conflicting classifications of pathogenicity. Uncertain significance (8); Likely benign (4).

Submissions 9 to 14 of 14:

ARUP Laboratories, Molecular Genetics and Genomics, ARUP Laboratories
Classification: Uncertain significance. Last evaluated: 2023-09-21. Review status: criteria provided, single submitter. Criteria: ARUP Molecular Germline Variant Investigation Process 2024. Collection method: clinical testing. Allele origin: germline.
Comment: The FBN1 c.2927G>A; p.Arg976His variant (rs140954477) is reported in the literature in individuals with symptoms of Marfan syndrome (Comeglio 2007, Robinson 2012), but is also reported in Marfan syndrome patient who also carried a likely pathogenic FBN1 variant (Lerner-Ellis 2014). This variant is reported in ClinVar (Variation ID: 42321), and is found in the general population with an overall allele frequency of 0.01% (29/282840 alleles) in the Genome Aggregation Database. The arginine at codon 976 is moderately conserved, and computational analyses predict that this variant is deleterious (REVEL: 0.862). While the population frequency (Yang 2014) and presence in a patient with a different disease-causing variant (Lerner-Ellis 2014) suggest that this variant does not cause disease, given the minimal clinical and functional data, the significance of the p.Arg976His variant is uncertain at this time. References: Comeglio P et al. The importance of mutation detection in Marfan syndrome and Marfan-related disorders: report of 193 FBN1 mutations. Hum Mutat. 2007 Sep;28(9):928. Lerner-Ellis JP et al. The spectrum of FBN1, TGFßR1, TGFßR2 and ACTA2 variants in 594 individuals with suspected Marfan Syndrome, Loeys-Dietz Syndrome or Thoracic Aortic Aneurysms and Dissections (TAAD). Mol Genet Metab. 2014 Jun;112(2):171-6. Robinson DO et al. Systematic screening of FBN1 gene unclassified missense variants for splice abnormalities. Clin Genet. 2012 Sep;82(3):223-31. Yang RQ et al. New population-based exome data question the pathogenicity of some genetic variants previously associated with Marfan syndrome. BMC Genet. 2014 Jun 18;15:74.

CHEO Genetics Diagnostic Laboratory, Children's Hospital of Eastern Ontario
Classification: Uncertain significance for Familial thoracic aortic aneurysm and aortic dissection. Last evaluated: 2021-11-10. Review status: criteria provided, single submitter. Criteria: ACMG Guidelines, 2015. Collection method: clinical testing. Allele origin: germline.

Genome Diagnostics Laboratory, The Hospital for Sick Children
Classification: Uncertain significance for Connective tissue disorder. Last evaluated: 2019-12-01. Review status: criteria provided, single submitter. Criteria: ACMG Guidelines, 2015. Collection method: clinical testing. Allele origin: germline.

Laboratory for Molecular Medicine, Mass General Brigham Personalized Medicine
Classification: Uncertain significance. Last evaluated: 2008-05-01. Review status: criteria provided, single submitter. Criteria: LMM Criteria. Collection method: clinical testing. Allele origin: germline. Observed: 1 variant allele.

PreventionGenetics, part of Exact Sciences
Classification: Uncertain significance for FBN1-related condition. Last evaluated: 2024-03-28. Review status: no assertion criteria provided. Collection method: clinical testing. Allele origin: germline. Not counted in ClinVar's aggregate classification.
Comment: The FBN1 c.2927G>A variant is predicted to result in the amino acid substitution p.Arg976His. This variant has been reported in multiple individuals with Marfan syndrome; however, clinical information was limited and family studies were not reported to help assess the variant's pathogenicity (Comeglio et al. 2007. PubMed ID: 17657824; Robinson et al. 2011. PubMed ID: 21895641; Wooderchak-Donahue et al. 2015. PubMed ID: 25944730; Groth et al. 2015. PubMed ID: 25812041). This variant has also been reported in individuals without Marfan syndrome (Damrauer et al. 2019. PubMed ID: 31211626) and, in one study, reported in an individual with features of Marfan syndrome who harbored an additional variant in FBN1 that was more likely to explain the phenotype (Table S6, Lerner-Ellis et al. 2014. PubMed ID: 24793577). This variant is reported in 0.015% of alleles in individuals of European (non-Finnish) descent in gnomAD and has conflicting interpretations in the ClinVar database, ranging from likely benign to uncertain. Although we suspect that this variant may be benign, at this time, the clinical significance of this variant is uncertain due to the absence of conclusive functional and genetic evidence.

CSER _CC_NCGL, University of Washington
Classification: Uncertain significance for Marfan syndrome. Last evaluated: 2014-06-01. Review status: no assertion criteria provided. Collection method: research. Allele origin: germline. Inheritance: Autosomal dominant inheritance. Study: ESP 6500 variant annotation. Not counted in ClinVar's aggregate classification.
Comment: Variants classified for the Actionable exomic incidental findings in 6503 participants: challenges of variant classification manuscript

Literature cited by the submitters: PubMed 17657824 (cited by 4 submitters); PubMed 21895641 (cited by 3 submitters); PubMed 24941995 (cited by Women's Health and Genetics/Laboratory Corporation of America, LabCorp); PubMed 24793577 (cited by 3 submitters); PubMed 25637381 (cited by Women's Health and Genetics/Laboratory Corporation of America, LabCorp); PubMed 25944730 (cited by 4 submitters); PubMed 25812041 (cited by Women's Health and Genetics/Laboratory Corporation of America, LabCorp); PubMed 25839328 (cited by Women's Health and Genetics/Laboratory Corporation of America, LabCorp); PubMed 27647783 (cited by Women's Health and Genetics/Laboratory Corporation of America, LabCorp); PubMed 28941062 (cited by 3 submitters); PubMed 26633542 (cited by Ambry Genetics); PubMed 31211626 (cited by Ambry Genetics).